The following is an entry in ClinVar:

NC_000006.11:g.(?_75806949)_(75807042_?)del

Gene: COL12A1 (collagen type XII alpha 1 chain; minus strand). Cytogenetic location: 6q13.
Variant type: Deletion.
Identifiers: ClinVar variation 1512555 (VCV001512555.6).

ClinVar aggregate classification (germline): Uncertain significance (1 of 4 stars; one submission).

Conditions:
Bethlem myopathy 2 (BTHLM2). Identifiers: Orphanet 536516, Orphanet 610, MedGen C4225313, MONDO:0034022, OMIM 616471.
Ullrich congenital muscular dystrophy 2 (UCMD2). Identifiers: Orphanet 75840, MedGen C4225314, MONDO:0014654, OMIM 616470.

Submission:

Labcorp Genetics (formerly Invitae), Labcorp
Classification: Uncertain significance for Bethlem myopathy 2; Ullrich congenital muscular dystrophy 2. Last evaluated: 2022-09-13. Review status: criteria provided, single submitter. Criteria: Invitae Variant Classification Sherloc (09022015). Collection method: clinical testing. Allele origin: germline.
Comment: In summary, the available evidence is currently insufficient to determine the role of this variant in disease. Therefore, it has been classified as a Variant of Uncertain Significance. Experimental studies and prediction algorithms are not available or were not evaluated, and the functional significance of this variant is currently unknown. This variant has not been reported in the literature in individuals affected with COL12A1-related conditions. This variant is a gross deletion of the genomic region encompassing exon(s) 59 of the COL12A1 gene. This variant would be expected to be in-frame, preserving the integrity of the reading frame.